The following is an entry in ClinVar:

ClinVar aggregate classification (germline): Uncertain significance (1 of 4 stars; one submission).

Submission:

GeneDx
Classification: Uncertain significance. Last evaluated: 2023-07-18. Review status: criteria provided, single submitter. Criteria: GeneDx Variant Classification Process June 2021. Collection method: clinical testing. Allele origin: germline. Affected: yes.
Comment: Not observed at significant frequency in large population cohorts (gnomAD); In silico analysis supports that this missense variant has a deleterious effect on protein structure/function; Has not been previously published as pathogenic or benign to our knowledge

NM_003482.4(KMT2D):c.15613C>T (p.Leu5205Phe)

Gene: KMT2D (lysine methyltransferase 2D; minus strand). Cytogenetic location: 12q13.12.
Variant type: single nucleotide variant.
Coding change: c.15613C>T on transcript NM_003482.4 (MANE Select); coding-DNA position 15613, C replaced by T.
Protein change: p.Leu5205Phe; replaces leucine 5205 with phenylalanine.
Molecular consequence: missense variant.
Genome position (GRCh38, 1-based): chr12:49,026,353, G>A on the plus strand (C>T on the coding strand, the complement: KMT2D is on the minus strand). VCF-style: chr12-49026353-G-A. GRCh37 (hg19) VCF-style: chr12-49420136-G-A.
Other names: short protein forms L5205F.
Identifiers: ClinVar variation 3361068 (VCV003361068.1).